The following is an entry in ClinVar:

ClinVar aggregate classification (germline): Uncertain significance. Review status: criteria provided, multiple submitters, no conflicts (2 of 4 stars). 2 submissions from 2 submitters: Uncertain significance (2). Last evaluated 2025-11-09.

Conditions:
Hereditary cancer-predisposing syndrome. Also called: Neoplastic Syndromes, Hereditary; Tumor predisposition; Hereditary Cancer Syndrome; Hereditary neoplastic syndrome. Identifiers: Orphanet 140162, MedGen C0027672, MeSH D009386, MONDO:0015356.
Oligodontia-cancer predisposition syndrome. Also called: TOOTH AGENESIS-COLORECTAL CANCER SYNDROME. Identifiers: Orphanet 300576, MedGen C1837750, MONDO:0012075, OMIM 608615. Disease mechanism: loss of function.

Allele frequency attached by ClinVar (database versions not stated): gnomAD 0.00001; gnomAD exomes 0.00002; TOPMed 0.00002; ExAC 0.00005.

Submissions (2):

Labcorp Genetics (formerly Invitae), Labcorp
Classification: Uncertain significance for Oligodontia-cancer predisposition syndrome. Last evaluated: 2025-11-09. Review status: criteria provided, single submitter. Criteria: Invitae Variant Classification Sherloc (09022015). Collection method: clinical testing. Allele origin: germline.
Comment: This sequence change replaces isoleucine, which is neutral and non-polar, with phenylalanine, which is neutral and non-polar, at codon 775 of the AXIN2 protein (p.Ile775Phe). This variant is present in population databases (rs150734114, gnomAD 0.03%). This variant has not been reported in the literature in individuals affected with AXIN2-related conditions. ClinVar contains an entry for this variant (Variation ID: 464604). Invitae Evidence Modeling of protein sequence and biophysical properties (such as structural, functional, and spatial information, amino acid conservation, physicochemical variation, residue mobility, and thermodynamic stability) indicates that this missense variant is expected to disrupt AXIN2 protein function with a positive predictive value of 80%. In summary, the available evidence is currently insufficient to determine the role of this variant in disease. Therefore, it has been classified as a Variant of Uncertain Significance.

Ambry Genetics
Classification: Uncertain significance for Hereditary cancer-predisposing syndrome. Last evaluated: 2021-09-13. Review status: criteria provided, single submitter. Criteria: Ambry Variant Classification Scheme 2023. Collection method: clinical testing. Allele origin: germline.
Comment: The p.I775F variant (also known as c.2323A>T), located in coding exon 9 of the AXIN2 gene, results from an A to T substitution at nucleotide position 2323. The isoleucine at codon 775 is replaced by phenylalanine, an amino acid with highly similar properties. This amino acid position is conserved. In addition, this alteration is predicted to be deleterious by in silico analysis. Since supporting evidence is limited at this time, the clinical significance of this alteration remains unclear.

NM_004655.4(AXIN2):c.2323A>T (p.Ile775Phe)

Gene: AXIN2 (axin 2; minus strand). Cytogenetic location: 17q24.1.
Variant type: single nucleotide variant.
Coding change: c.2323A>T on transcript NM_004655.4 (MANE Select); coding-DNA position 2323, A replaced by T.
Protein change: p.Ile775Phe; replaces isoleucine 775 with phenylalanine.
Molecular consequence: missense variant.
Genome position (GRCh38, 1-based): chr17:65,533,994, T>A on the plus strand (A>T on the coding strand, the complement: AXIN2 is on the minus strand). VCF-style: chr17-65533994-T-A. GRCh37 (hg19) VCF-style: chr17-63530112-T-A.
Other names: c.2323A>T (LRG_296t1); c.2128A>T, p.Ile710Phe (NM_001363813.1); short protein forms I775F, I710F.
Identifiers: ClinVar variation 464604 (VCV000464604.8), dbSNP rs150734114, ClinGen allele CA8718322.